The following is an entry in ClinVar:

ClinVar aggregate classification (germline): Uncertain significance. Review status: criteria provided, multiple submitters, no conflicts (2 of 4 stars). 2 submissions from 2 submitters: Uncertain significance (2). Last evaluated 2023-12-15.

Conditions:
Hereditary cancer-predisposing syndrome. Also called: Tumor predisposition; Hereditary neoplastic syndrome; Neoplastic Syndromes, Hereditary; Hereditary Cancer Syndrome. Identifiers: Orphanet 140162, MedGen C0027672, MeSH D009386, MONDO:0015356.
Bloom syndrome (BLM). Also called: Bloom-Torre-Machacek syndrome. Identifiers: Orphanet 125, MedGen C0005859, MONDO:0008876, OMIM 210900.

Submissions (2):

Ambry Genetics
Classification: Uncertain significance for Hereditary cancer-predisposing syndrome. Last evaluated: 2023-12-15. Review status: criteria provided, single submitter. Criteria: Ambry Variant Classification Scheme 2023. Collection method: clinical testing. Allele origin: germline.
Comment: The p.D133Y variant (also known as c.397G>T), located in coding exon 2 of the BLM gene, results from a G to T substitution at nucleotide position 397. The aspartic acid at codon 133 is replaced by tyrosine, an amino acid with highly dissimilar properties. This amino acid position is conserved. In addition, this alteration is predicted to be tolerated by in silico analysis. Since supporting evidence is limited at this time, the clinical significance of this alteration remains unclear.

Labcorp Genetics (formerly Invitae), Labcorp
Classification: Uncertain significance for Bloom syndrome. Last evaluated: 2020-02-27. Review status: criteria provided, single submitter. Criteria: Invitae Variant Classification Sherloc (09022015). Collection method: clinical testing. Allele origin: germline.
Comment: In summary, the available evidence is currently insufficient to determine the role of this variant in disease. Therefore, it has been classified as a Variant of Uncertain Significance. Algorithms developed to predict the effect of sequence changes on RNA splicing suggest that this variant may create or strengthen a splice site, but this prediction has not been confirmed by published transcriptional studies. Algorithms developed to predict the effect of missense changes on protein structure and function (SIFT, PolyPhen-2, Align-GVGD) all suggest that this variant is likely to be tolerated, but these predictions have not been confirmed by published functional studies and their clinical significance is uncertain. This variant has not been reported in the literature in individuals with BLM-related conditions. This variant is not present in population databases (ExAC no frequency). This sequence change replaces aspartic acid with tyrosine at codon 133 of the BLM protein (p.Asp133Tyr). The aspartic acid residue is weakly conserved and there is a large physicochemical difference between aspartic acid and tyrosine.

NM_000057.4(BLM):c.397G>T (p.Asp133Tyr)

Gene: BLM (BLM RecQ like helicase; plus strand). Cytogenetic location: 15q26.1.
Variant type: single nucleotide variant.
Coding change: c.397G>T on transcript NM_000057.4 (MANE Select); coding-DNA position 397, G replaced by T.
Protein change: p.Asp133Tyr; replaces aspartic acid 133 with tyrosine.
Molecular consequence: missense variant. On other transcripts: 5 prime UTR variant (1).
Genome position (GRCh38, 1-based): chr15:90,749,665, G>T. VCF-style: chr15-90749665-G-T. GRCh37 (hg19) VCF-style: chr15-91292895-G-T.
Other names: c.397G>T, p.Asp133Tyr (NM_001287246.2, NM_001287247.2); c.-895G>T (NM_001287248.2); c.397G>T (NM_000057.2); short protein forms D133Y.
Identifiers: ClinVar variation 1009854 (VCV001009854.11), dbSNP rs762621627, ClinGen allele CA393840457.